The following is an entry in ClinVar:

ClinVar aggregate classification (germline): Likely pathogenic. Review status: reviewed by expert panel (3 of 4 stars). 14 submissions from 14 submitters: Likely pathogenic (1). 13 of the submissions do not count toward it. Last evaluated 2024-04-15.

Conditions:
Acute rhabdomyolysis. Identifiers: MedGen C3807306, HP:0008942.
ACADVL-related disorder. Also called: ACADVL-related condition.
Inborn genetic diseases. Identifiers: MedGen C0950123, MeSH D030342.
Very long chain acyl-CoA dehydrogenase deficiency (ACADVLD). Also called: Very Long-Chain Acyl-Coenzyme A Dehydrogenase Deficiency; VLCAD Deficiency. Identifiers: Orphanet 26793, MedGen C3887523, MONDO:0008723, OMIM 201475.

Allele frequency attached by ClinVar (database versions not stated): gnomAD 0.00001.
gnomAD v4.1: 17 of 1,614,092 alleles (0.0011%); highest among the groups gnomAD compares: Admixed American, 0.0033%; no homozygotes.

Submissions 1 to 9 of 14:

ClinGen ACADVL Variant Curation Expert Panel, ClinGen
Classification: Likely pathogenic for Very long chain acyl-CoA dehydrogenase deficiency. Last evaluated: 2024-04-15. Review status: reviewed by expert panel. Criteria: clingen acadvl acmg specifications v1. Collection method: curation. Allele origin: germline. Inheritance: Autosomal recessive inheritance.
Comment: The NM_000018.4 c.637G>A (p.Ala213Thr) in ACADVL is a missense variant predicted to cause substitution of alanine by threonine at amino acid 213 (p.Ala213Thr). The highest population minor allele frequency in gnomAD V2.1.1 is 0.00006 in Admixed American population, which is lower than the ClinGen ACADVL Variant Curation Expert Panel threshold (<0.001) for PM2_Supporting, meeting this criterion (PM2_Supporting). This variant has been detected in homozygous fashion in three consanguinity siblings affected with very long chain acyl CoA dehydrogenase (VLCAD) deficiency, at least one of whom displayed reduced enzyme levels (17% of wildtype), which is highly specific for VLCAD deficiency (PP4_Moderate, PM3 score = 1.0, PM3, PMID: 12213615). The computational predictor REVEL gives a score of 0.917, which is above the threshold of 0.75, evidence that correlates with impact to ACADVL function (PP3). In summary, this variant meets the criteria to be classified as likely pathogenic for autosomal recessive very long chain acyl-CoA dehydrogenase (VLCAD) deficiency based on the ACMG/AMP criteria applied, as specified by the ClinGen ACADVL Variant Curation Expert Panel: PM3, PP4_Moderate, PM2_Supporting, PP3 (ACADVL VCEP specifications version 1; approved November 9, 2021).

PreventionGenetics, part of Exact Sciences
Classification: Likely pathogenic for ACADVL-related condition. Last evaluated: 2026-07-23. Review status: criteria provided, single submitter. Criteria: ACMG Guidelines, 2015. Collection method: clinical testing. Allele origin: germline. Not counted in ClinVar's aggregate classification.
Comment: The ACADVL c.637G>A variant is predicted to result in the amino acid substitution p.Ala213Thr. This variant has been reported in both the homozygous state and with an additional variant in the same gene in multiple individuals with clinical and biochemical characteristics consistent with very long chain acyl-CoA dehydrogenase deficiency (VLCADD, Straussberg et al. 2002. PubMed ID: 12213615; Zhang et al. 2014. PubMed ID: 24801231; Gillingham et al. 2017. PubMed ID: 28871440; Xie et al. 2025. PubMed ID: 41257776). In vitro analysis demonstrates this variant results in decreased enzyme activity (Straussberg et al. 2002. PubMed ID: 12213615). This variant is reported in 0.0058% of alleles in individuals of Latino descent in gnomAD, and it has been classified as likely pathogenic by the ClinGen ACADVL Variant Curation Expert Panel (Variation ID: 198683). Additionally, an alternate missense change impacting the same amino acid (p.Ala213Pro) has been reported in the homozygous state in an individual with VLCADD (described as A173P in Mathur et al. 1999. PubMed ID: 10077518). Taken together, the c.637G>A (p.Ala213Thr) variant is interpreted as likely pathogenic.

Labcorp Genetics (formerly Invitae), Labcorp
Classification: Pathogenic for Very long chain acyl-CoA dehydrogenase deficiency. Last evaluated: 2026-01-15. Review status: criteria provided, single submitter. Criteria: Invitae Variant Classification Sherloc (09022015). Collection method: clinical testing. Allele origin: germline. Not counted in ClinVar's aggregate classification.
Comment: This sequence change replaces alanine, which is neutral and non-polar, with threonine, which is neutral and polar, at codon 213 of the ACADVL protein (p.Ala213Thr). This variant is present in population databases (rs140629318, gnomAD 0.006%). This missense change has been observed in individual(s) with very long chain acyl-CoA dehydrogenase deficiency (PMID: 12213615, 24801231). It has also been observed to segregate with disease in related individuals. ClinVar contains an entry for this variant (Variation ID: 198683). Invitae Evidence Modeling of protein sequence and biophysical properties (such as structural, functional, and spatial information, amino acid conservation, physicochemical variation, residue mobility, and thermodynamic stability) indicates that this missense variant is expected to disrupt ACADVL protein function with a positive predictive value of 80%. This variant disrupts the p.Ala213 amino acid residue in ACADVL. Other variant(s) that disrupt this residue have been observed in individuals with ACADVL-related conditions (PMID: 10077518), which suggests that this may be a clinically significant amino acid residue. For these reasons, this variant has been classified as Pathogenic.

NHS Central & South Genomic Laboratory Hub
Classification: Likely pathogenic for Acute Rhabdomyolysis. Last evaluated: 2025-10-21. Review status: criteria provided, single submitter. Criteria: ACMG Guidelines, 2015. Collection method: clinical testing. Allele origin: germline. Affected: yes. Not counted in ClinVar's aggregate classification.

Myriad Genetics, Inc.
Classification: Likely pathogenic for Very long chain acyl-CoA dehydrogenase deficiency. Last evaluated: 2025-03-24. Review status: criteria provided, single submitter. Criteria: Myriad Autosomal Dominant, Autosomal Recessive and X-Linked Classification Criteria (2023). Collection method: clinical testing. Allele origin: unknown. Not counted in ClinVar's aggregate classification.
Comment: NM_000018.3(ACADVL):c.637G>A(A213T) is a missense variant classified as likely pathogenic in the context of very-long-chain acyl-CoA dehydrogenase deficiency. A213T has been observed in cases with relevant disease (PMID: 12213615, 28871440, 34069977, 24801231, Rajkumar_2022_(Poster)). Relevant functional assessments of this variant are not available in the literature. A213T has been observed in referenced population frequency databases. In summary, NM_000018.3(ACADVL):c.637G>A(A213T) is a missense variant that has internal structural support for pathogenicity and has been observed more frequently in cases with the relevant disease than in healthy populations. Please note: this variant was assessed in the context of healthy population screening.

Natera, Inc.
Classification: Likely pathogenic for Very long chain acyl-CoA dehydrogenase deficiency. Last evaluated: 2024-11-13. Review status: criteria provided, single submitter. Criteria: Natera Variant Classification Schema (03/2026). Collection method: clinical testing. Allele origin: germline. Not counted in ClinVar's aggregate classification.
Comment: The c.637G>A variant in ACADVL is a missense variant predicted to cause substitution of alanine to threonine at amino acid 213. This variant is rare in the general population with a frequency below the threshold expected for the associated phenotype(s). This variant has been observed in one or more individuals affected with the associated recessive disease, as either homozygous or compound heterozygous with a second variant (PMID: 12213615, 28871440, 24801231). Additionally, this variant has been observed to segregate in affected family members (PMID: 12213615). Computational prediction algorithms indicate this variant is likely to affect gene or protein function. Given the available evidence, this variant is classified as Likely Pathogenic.

Fulgent Genetics
Classification: Pathogenic for Very long chain acyl-CoA dehydrogenase deficiency. Last evaluated: 2024-06-10. Review status: criteria provided, single submitter. Criteria: ACMG Guidelines, 2015. Collection method: clinical testing. Allele origin: germline. Not counted in ClinVar's aggregate classification.

Baylor Genetics
Classification: Pathogenic for Very long chain acyl-CoA dehydrogenase deficiency. Last evaluated: 2024-02-19. Review status: criteria provided, single submitter. Criteria: ACMG Guidelines, 2015. Collection method: clinical testing. Allele origin: unknown. Not counted in ClinVar's aggregate classification.

ARUP Laboratories, Molecular Genetics and Genomics, ARUP Laboratories
Classification: Likely pathogenic for Very long chain acyl-CoA dehydrogenase deficiency. Last evaluated: 2022-07-07. Review status: criteria provided, single submitter. Criteria: ARUP Molecular Germline Variant Investigation Process 2021. Collection method: clinical testing. Allele origin: germline. Not counted in ClinVar's aggregate classification.
Comment: The ACADVL c.637G>A; p.Ala213Thr variant (rs140629318), also reported as p.Ala173Thr, is reported in the literature in the homozygous or compound heterozygous state in multiple individuals affected with very long chain acyl-CoA dehydrogenase (VLCAD) deficiency, including three homozygous siblings (Straussberg 2002, Zhang 2014). This variant is also reported in ClinVar (Variation ID: 198683). This variant is found in the general population with an overall allele frequency of 0.002% (5/251298 alleles) in the Genome Aggregation Database. Additionally, another variant at this codon (c.637G>C; p.Ala213Pro) has been reported in a homozygous individual with VLCAD deficiency and is considered disease-causing (Mathur 1999). The alanine at codon 213 is highly conserved, and computational analyses predict that this variant is deleterious (REVEL: 0.917). Based on the above information, the variant is classified as likely pathogenic. References: Mathur A et al. Molecular heterogeneity in very-long-chain acyl-CoA dehydrogenase deficiency causing pediatric cardiomyopathy and sudden death. Circulation. 1999 Mar 16;99(10):1337-43. PMID: 10077518. Straussberg R et al. A novel mutation of late-onset very-long-chain acyl-CoA dehydrogenase deficiency. Pediatr Neurol. 2002 Aug;27(2):136-7. PMID: 12213615. Zhang RN et al. Clinical features and mutations in seven Chinese patients with very long chain acyl-CoA dehydrogenase deficiency. World J Pediatr. 2014 May;10(2):119-25. PMID: 24801231.

NM_000018.4(ACADVL):c.637G>A (p.Ala213Thr)

Gene: ACADVL (acyl-CoA dehydrogenase very long chain; plus strand). Cytogenetic location: 17p13.1.
Variant type: single nucleotide variant.
Coding change: c.637G>A on transcript NM_000018.4 (MANE Select); coding-DNA position 637, G replaced by A.
Protein change: p.Ala213Thr; replaces alanine 213 with threonine.
Molecular consequence: missense variant.
Genome position (GRCh38, 1-based): chr17:7,221,966, G>A. VCF-style: chr17-7221966-G-A. GRCh37 (hg19) VCF-style: chr17-7125285-G-A.
Other names: NM_000018.4(ACADVL):c.637G>A; p.Ala213Thr; c.571G>A, p.Ala191Thr (NM_001033859.3); c.706G>A, p.Ala236Thr (NM_001270447.2); c.409G>A, p.Ala137Thr (NM_001270448.2); short protein forms A213T, A137T, A191T, A236T.
Identifiers: ClinVar variation 198683 (VCV000198683.40), dbSNP rs140629318, ClinGen allele CA275413.